The following is an entry in ClinVar:

ClinVar aggregate classification (germline): Conflicting classifications of pathogenicity. Review status: criteria provided, conflicting classifications (1 of 4 stars). 4 submissions from 4 submitters: Pathogenic (1); Likely pathogenic (1); Uncertain significance (2). Last evaluated 2024-04-15.

Conditions:
Hereditary cancer-predisposing syndrome. Also called: Hereditary neoplastic syndrome; Tumor predisposition; Neoplastic Syndromes, Hereditary; Hereditary Cancer Syndrome. Identifiers: Orphanet 140162, MedGen C0027672, MeSH D009386, MONDO:0015356.
Fanconi anemia (FA). Also called: Fanconi's anemia. Identifiers: Orphanet 84, MedGen C0015625, MeSH D005199, MONDO:0019391.
Fanconi anemia complementation group C (FANCC). Also called: FANCONI PANCYTOPENIA, TYPE 3; FACC; Fanconi anemia, group C; FANCC-Related Fanconi Anemia. Identifiers: Orphanet 84, MedGen C3468041, MONDO:0009213, OMIM 227645.

Allele frequency attached by ClinVar (database versions not stated): gnomAD exomes below 0.00001 and 0.00001; ExAC 0.00001; gnomAD 0.00001.

Submissions (4):

GeneDx
Classification: Likely pathogenic. Last evaluated: 2024-04-15. Review status: criteria provided, single submitter. Criteria: GeneDx Variant Classification Process June 2021. Collection method: clinical testing. Allele origin: germline. Affected: yes.
Comment: RNA studies demonstrate aberrant splicing (External communication with Ambry Genetics); Not observed at significant frequency in large population cohorts (gnomAD); In silico analysis supports a deleterious effect on splicing; This variant is associated with the following publications: (PMID: 30676620, 29625052, 29922827, 36451132)

Ambry Genetics
Classification: Pathogenic for Hereditary cancer-predisposing syndrome. Last evaluated: 2024-01-25. Review status: criteria provided, single submitter. Criteria: Ambry Variant Classification Scheme 2023. Collection method: clinical testing. Allele origin: germline.
Comment: The c.166-4_166-1dupACAG intronic pathogenic mutation results from a duplication of 4 nucleotides between positions c.166-4 and c.166-1 before intron 1 of the FANCC gene. This alteration has been confirmed to be in trans with another FANCC pathogenic mutation in at least one individual with a personal and/or family history that is consistent with Fanconi anemia (Ambry internal data). In silico splice site analysis predicts that this alteration will result in the creation or strengthening of a novel splice acceptor site. RNA studies have demonstrated that this alteration results in abnormal splicing in the set of samples tested (Ambry internal data). This variant is considered to be rare based on population cohorts in the Genome Aggregation Database (gnomAD). Based on the supporting evidence, this alteration is interpreted as a disease-causing mutation.

Labcorp Genetics (formerly Invitae), Labcorp
Classification: Uncertain significance for Fanconi anemia. Last evaluated: 2023-07-31. Review status: criteria provided, single submitter. Criteria: Invitae Variant Classification Sherloc (09022015). Collection method: clinical testing. Allele origin: germline.
Comment: This sequence change falls in intron 2 of the FANCC gene. It does not directly change the encoded amino acid sequence of the FANCC protein. This variant is present in population databases (rs746016938, gnomAD 0.0009%). This variant has been observed in individual(s) with testicular cancer (PMID: 29625052, 30676620). ClinVar contains an entry for this variant (Variation ID: 420828). In summary, the available evidence is currently insufficient to determine the role of this variant in disease. Therefore, it has been classified as a Variant of Uncertain Significance.

Revvity Omics, Revvity
Classification: Uncertain significance for Fanconi anemia complementation group C. Last evaluated: 2021-08-31. Review status: criteria provided, single submitter. Criteria: ACMG Guidelines, 2015. Collection method: clinical testing. Allele origin: germline.

Literature cited by the submitters: PubMed 29625052 (cited by Labcorp Genetics (formerly Invitae), Labcorp); PubMed 30676620 (cited by Labcorp Genetics (formerly Invitae), Labcorp).

NM_000136.3(FANCC):c.166-4_166-1dup

Gene: FANCC (FA complementation group C; minus strand). Cytogenetic location: 9q22.32.
Variant type: Duplication.
Coding change: c.166-4_166-1dup on transcript NM_000136.3 (MANE Select); 4 bases into the intron before coding-DNA position 166 through the canonical splice acceptor site of the intron before coding-DNA position 166, 4 bases duplicated (ACAG; older notation c.166-4_166-1dupACAG).
Molecular consequence: splice acceptor variant.
Genome position (GRCh38, 1-based): chr9:95,247,517-95,247,520, CTGT duplicated on the plus strand (ACAG on the coding strand, the reverse complement: FANCC is on the minus strand). VCF-style (leftmost placement, unchanged base first): chr9-95247516-C-CCTGT. GRCh37 (hg19) VCF-style: chr9-98009798-C-CCTGT.
Other names: c.166-4_166-1dup (NM_001243743.2, NM_001243744.2).
Identifiers: ClinVar variation 420828 (VCV000420828.13), dbSNP rs746016938, ClinGen allele CA5137811.